The following is an entry in ClinVar:

ClinVar aggregate classification (germline): Benign/Likely benign. Review status: criteria provided, multiple submitters, no conflicts (2 of 4 stars). 3 submissions from 3 submitters: Benign (1); Likely benign (1). 1 of the submissions does not count toward it. Last evaluated 2024-12-31.

Conditions:
ATRX-related disorder. Also called: ATRX-related condition.
Alpha thalassemia-X-linked intellectual disability syndrome (ATRX). Also called: ATR-X syndrome; Alpha thalassemia mental retardation syndrome, nondeletion type, X-linked; XLMR hypotonic face syndrome; ALPHA-THALASSEMIA/MENTAL RETARDATION SYNDROME, X-LINKED; ATR, NONDELETION TYPE; X-linked alpha-thalassemia-mental retardation syndrome. Identifiers: Orphanet 847, MedGen C1845055, MONDO:0010519, OMIM 301040.

Allele frequency attached by ClinVar (database versions not stated): gnomAD exomes 0.00010 and 0.00004; gnomAD 0.00003; TOPMed 0.00003; ExAC 0.00009.
gnomAD v4.1: 21 of 1,208,407 alleles (0.0017%); highest among the groups gnomAD compares: Admixed American, 0.046%; no homozygotes.

Submissions (3):

Labcorp Genetics (formerly Invitae), Labcorp
Classification: Benign for Alpha thalassemia-X-linked intellectual disability syndrome. Last evaluated: 2024-12-31. Review status: criteria provided, single submitter. Criteria: Invitae Variant Classification Sherloc (09022015). Collection method: clinical testing. Allele origin: germline.

GeneDx
Classification: Likely benign. Last evaluated: 2019-10-14. Review status: criteria provided, single submitter. Criteria: GeneDx Variant Classification Process June 2021. Collection method: clinical testing. Allele origin: germline. Affected: yes.

PreventionGenetics, part of Exact Sciences
Classification: Likely benign for ATRX-related condition. Last evaluated: 2021-01-21. Review status: no assertion criteria provided. Collection method: clinical testing. Allele origin: germline. Not counted in ClinVar's aggregate classification.
Comment: This variant is classified as likely benign based on ACMG/AMP sequence variant interpretation guidelines (Richards et al. 2015 PMID: 25741868, with internal and published modifications).

NM_000489.6(ATRX):c.6024T>C (p.Asp2008=)

Gene: ATRX (ATRX chromatin remodeler; minus strand). Cytogenetic location: Xq21.1.
Variant type: single nucleotide variant.
Coding change: c.6024T>C on transcript NM_000489.6 (MANE Select); coding-DNA position 6024, T replaced by C.
Protein change: p.Asp2008=; no amino-acid change (aspartic acid 2008 retained).
Molecular consequence: synonymous variant.
Genome position (GRCh38, 1-based): chrX:77,593,782, A>G on the plus strand (T>C on the coding strand, the complement: ATRX is on the minus strand). VCF-style: chrX-77593782-A-G. GRCh37 (hg19) VCF-style: chrX-76849252-A-G.
Other names: c.5910T>C, p.Asp1970= (NM_138270.5).
Identifiers: ClinVar variation 730345 (VCV000730345.15), dbSNP rs782159753, ClinGen allele CA10457569.